The following is an entry in ClinVar:

NM_000277.3(PAH):c.1081A>T (p.Lys361Ter)

Gene: PAH (phenylalanine hydroxylase; minus strand). Cytogenetic location: 12q23.2.
Variant type: single nucleotide variant.
Coding change: c.1081A>T on transcript NM_000277.3 (MANE Select); coding-DNA position 1081, A replaced by T.
Protein change: p.Lys361Ter; replaces lysine 361 with a stop codon.
Molecular consequence: nonsense.
Genome position (GRCh38, 1-based): chr12:102,843,764, T>A on the plus strand (A>T on the coding strand, the complement: PAH is on the minus strand). VCF-style: chr12-102843764-T-A. GRCh37 (hg19) VCF-style: chr12-103237542-T-A.
Other names: c.1081A>T, p.Lys361Ter (NM_001354304.2); short protein forms K361*.
Identifiers: ClinVar variation 1726532 (VCV001726532.2), dbSNP rs772918939, ClinGen allele CA6748746.

ClinVar aggregate classification (germline): Likely pathogenic (1 of 4 stars; one submission).

Conditions:
Phenylketonuria (PKU). Also called: Phenylketonurias; FOLLING DISEASE; Phenylketonuria (PKU); OLIGOPHRENIA PHENYLPYRUVICA. Identifiers: Orphanet 716, MedGen C0031485, MONDO:0009861, OMIM 261600. Disease mechanism: loss of function.

Allele frequency attached by ClinVar (database versions not stated): gnomAD exomes below 0.00001; gnomAD 0.00001; ExAC 0.00002.
gnomAD v4.1: 2 of 1,613,716 alleles (0.00012%); highest among the groups gnomAD compares: South Asian, 0.0022%; no homozygotes.

Submission:

Myriad Genetics, Inc.
Classification: Likely pathogenic for Phenylketonuria. Last evaluated: 2022-03-30. Review status: criteria provided, single submitter. Criteria: Myriad Women's Health Autosomal Recessive and X-Linked Classification Criteria (2021). Collection method: clinical testing. Allele origin: unknown.
Comment: NM_000277.1(PAH):c.1081A>T(K361*) is expected to be pathogenic in the context of phenylalanine hydroxylase deficiency. This variant is predicted to lead to an abnormal or absent protein product due to the creation of a premature termination codon in PAH, a gene where loss-of-function variants are known to be pathogenic. Please note: this variant was assessed in the context of healthy population screening.